The following is an entry in ClinVar:

NM_007262.5(PARK7):c.103G>A (p.Val35Ile)

Gene: PARK7 (Parkinsonism associated deglycase; plus strand). Cytogenetic location: 1p36.23.
Variant type: single nucleotide variant.
Coding change: c.103G>A on transcript NM_007262.5 (MANE Select); coding-DNA position 103, G replaced by A.
Protein change: p.Val35Ile; replaces valine 35 with isoleucine.
Molecular consequence: missense variant.
Genome position (GRCh38, 1-based): chr1:7,965,336, G>A. VCF-style: chr1-7965336-G-A. GRCh37 (hg19) VCF-style: chr1-8025396-G-A.
Other names: c.103G>A, p.Val35Ile (NM_001123377.2); c.103G>A (NM_007262.4); short protein forms V35I.
Identifiers: ClinVar variation 2049252 (VCV002049252.2), dbSNP rs770946447, ClinGen allele CA569445.
Genomic context (GRCh38, chr1:7,965,336, plus strand): 5'-TGAATTTATGTTTCAGTGTTCTTAAATATGATAACATCTTTCTCGTAGATTAAGGTCACC[G>A]TTGCAGGCCTGGCTGGAAAAGACCCAGTACAGTGTAGCCGTGATGTGGTCATTTGTCCTG-3'
Protein context (NP_009193.2, residues 25-45): VMRRAGIKVT[Val35Ile]AGLAGKDPVQ

ClinVar aggregate classification (germline): Uncertain significance. Review status: criteria provided, multiple submitters, no conflicts (2 of 4 stars). 2 submissions from 2 submitters: Uncertain significance (2). Last evaluated 2024-07-18.

Conditions:
Autosomal recessive early-onset Parkinson disease 7. Identifiers: Orphanet 2828, MedGen C1853445, MONDO:0011658, OMIM 606324.

Allele frequency attached by ClinVar (database versions not stated): gnomAD exomes 0.00004; gnomAD 0.00005; TOPMed 0.00005; ExAC 0.00010.
gnomAD v4.1: 74 of 1,613,906 alleles (0.0046%); highest among the groups gnomAD compares: South Asian, 0.041%; 1 homozygote.

Submissions (2):

GeneDx
Classification: Uncertain significance. Last evaluated: 2024-07-18. Review status: criteria provided, single submitter. Criteria: GeneDx Variant Classification Process June 2021. Collection method: clinical testing. Allele origin: germline. Affected: yes.
Comment: In silico analysis indicates that this missense variant does not alter protein structure/function; This variant is associated with the following publications: (PMID: 36879366, 22960331, 27592010)

Labcorp Genetics (formerly Invitae), Labcorp
Classification: Uncertain significance for Autosomal recessive early-onset Parkinson disease 7. Last evaluated: 2022-10-05. Review status: criteria provided, single submitter. Criteria: Invitae Variant Classification Sherloc (09022015). Collection method: clinical testing. Allele origin: germline.
Comment: This sequence change replaces valine, which is neutral and non-polar, with isoleucine, which is neutral and non-polar, at codon 35 of the PARK7 protein (p.Val35Ile). This variant is present in population databases (rs770946447, gnomAD 0.05%), including at least one homozygous and/or hemizygous individual. This missense change has been observed in individual(s) with Parkinson disease (PMID: 22960331). Algorithms developed to predict the effect of missense changes on protein structure and function output the following: SIFT: "Tolerated"; PolyPhen-2: "Benign"; Align-GVGD: "Class C0". The isoleucine amino acid residue is found in multiple mammalian species, which suggests that this missense change does not adversely affect protein function. In summary, the available evidence is currently insufficient to determine the role of this variant in disease. Therefore, it has been classified as a Variant of Uncertain Significance.

Literature cited by the submitters: PubMed 22960331 (cited by Labcorp Genetics (formerly Invitae), Labcorp).